The following is an entry in ClinVar:

ClinVar aggregate classification (germline): Uncertain significance (1 of 4 stars; one submission).

Conditions:
Early Myoclonic Encephalopathy. Identifiers: MedGen C0270855.

Allele frequency attached by ClinVar (database versions not stated): TOPMed below 0.00001; ExAC 0.00001; gnomAD 0.00001 and below 0.00001; 1000 Genomes Project 30x 0.00016; 1000 Genomes Project 0.00020; gnomAD exomes below 0.00001.

Submission:

Labcorp Genetics (formerly Invitae), Labcorp
Classification: Uncertain significance for Early Myoclonic Encephalopathy. Last evaluated: 2023-10-02. Review status: criteria provided, single submitter. Criteria: Invitae Variant Classification Sherloc (09022015). Collection method: clinical testing. Allele origin: germline.
Comment: This sequence change replaces aspartic acid, which is acidic and polar, with asparagine, which is neutral and polar, at codon 153 of the JMJD1C protein (p.Asp153Asn). This variant is not present in population databases (gnomAD no frequency). This variant has not been reported in the literature in individuals affected with JMJD1C-related conditions. ClinVar contains an entry for this variant (Variation ID: 663889). An algorithm developed to predict the effect of missense changes on protein structure and function (PolyPhen-2) suggests that this variant is likely to be disruptive. In summary, the available evidence is currently insufficient to determine the role of this variant in disease. Therefore, it has been classified as a Variant of Uncertain Significance.

NM_032776.3(JMJD1C):c.457G>A (p.Asp153Asn)

Gene: JMJD1C (jumonji domain containing 1C; minus strand). Cytogenetic location: 10q21.3.
Variant type: single nucleotide variant.
Coding change: c.457G>A on transcript NM_032776.3 (MANE Select); coding-DNA position 457, G replaced by A.
Protein change: p.Asp153Asn; replaces aspartic acid 153 with asparagine.
Molecular consequence: missense variant. On other transcripts: 5 prime UTR variant (3), intron variant (2).
Genome position (GRCh38, 1-based): chr10:63,219,974, C>T on the plus strand (G>A on the coding strand, the complement: JMJD1C is on the minus strand). VCF-style: chr10-63219974-C-T. GRCh37 (hg19) VCF-style: chr10-64979734-C-T.
Other names: c.-90G>A (NM_001282948.2, NM_001318154.2); c.-412G>A (NM_001318153.2); c.343G>A, p.Asp115Asn (NM_001322252.2); c.-104-2643G>A (NM_001322258.2, NM_001322254.2); short protein forms D115N, D153N.
Identifiers: ClinVar variation 663889 (VCV000663889.7), dbSNP rs192996860, ClinGen allele CA5519028.